The following is an entry in ClinVar:

NM_004699.4(FAM50A):c.865C>T (p.Arg289Trp)

Gene: FAM50A (family with sequence similarity 50 member A; plus strand). Cytogenetic location: Xq28.
Variant type: single nucleotide variant.
Coding change: c.865C>T on transcript NM_004699.4 (MANE Select); coding-DNA position 865, C replaced by T.
Protein change: p.Arg289Trp; replaces arginine 289 with tryptophan.
Molecular consequence: missense variant.
Genome position (GRCh38, 1-based): chrX:154,450,064, C>T. VCF-style: chrX-154450064-C-T. GRCh37 (hg19) VCF-style: chrX-153678412-C-T.
Other names: short protein forms R289W.
Identifiers: ClinVar variation 4986705 (VCV004986705.1).

ClinVar aggregate classification (germline): Uncertain significance (1 of 4 stars; one submission).

Conditions:
FAM50A-related disorder. Also called: FAM50A-related condition.

Submission:

PreventionGenetics, part of Exact Sciences
Classification: Uncertain significance for FAM50A-related condition. Last evaluated: 2026-05-30. Review status: criteria provided, single submitter. Criteria: ACMG Guidelines, 2015. Collection method: clinical testing. Allele origin: germline.
Comment: The FAM50A c.865C>T variant is predicted to result in the amino acid substitution p.Arg289Trp. To our knowledge, this variant has not been reported in the literature. This variant is reported in 0.0062% of alleles in individuals of European (Finnish) descent in gnomAD. At this time, the clinical significance of this variant is uncertain due to the absence of conclusive functional and genetic evidence.